The following is an entry in ClinVar:

NM_001018113.3(FANCB):c.628A>G (p.Thr210Ala)

Gene: FANCB (FA complementation group B; minus strand). Cytogenetic location: Xp22.2.
Variant type: single nucleotide variant.
Coding change: c.628A>G on transcript NM_001018113.3 (MANE Select); coding-DNA position 628, A replaced by G.
Protein change: p.Thr210Ala; replaces threonine 210 with alanine.
Molecular consequence: missense variant.
Genome position (GRCh38, 1-based): chrX:14,864,883, T>C on the plus strand (A>G on the coding strand, the complement: FANCB is on the minus strand). VCF-style: chrX-14864883-T-C. GRCh37 (hg19) VCF-style: chrX-14883005-T-C.
Other names: c.628A>G, p.Thr210Ala (NM_001324162.2, NM_152633.4); short protein forms T210A.
Identifiers: ClinVar variation 1503198 (VCV001503198.8), dbSNP rs2092462421, ClinGen allele CA412444069.

ClinVar aggregate classification (germline): Uncertain significance (1 of 4 stars; one submission).

Conditions:
Fanconi anemia (FA). Also called: Fanconi's anemia. Identifiers: Orphanet 84, MedGen C0015625, MeSH D005199, MONDO:0019391.

Allele frequency attached by ClinVar (database versions not stated): gnomAD exomes below 0.00001; gnomAD 0.00001; TOPMed 0.00001.
gnomAD v4.1: 4 of 1,205,003 alleles (0.00033%); highest among the groups gnomAD compares: Non-Finnish European, 0.00045%; no homozygotes.

Submission:

Labcorp Genetics (formerly Invitae), Labcorp
Classification: Uncertain significance for Fanconi anemia. Last evaluated: 2022-06-19. Review status: criteria provided, single submitter. Criteria: Invitae Variant Classification Sherloc (09022015). Collection method: clinical testing. Allele origin: germline.
Comment: This sequence change replaces threonine, which is neutral and polar, with alanine, which is neutral and non-polar, at codon 210 of the FANCB protein (p.Thr210Ala). This variant is not present in population databases (gnomAD no frequency). This variant has not been reported in the literature in individuals affected with FANCB-related conditions. Algorithms developed to predict the effect of missense changes on protein structure and function output the following: SIFT: "Deleterious"; PolyPhen-2: "Possibly Damaging"; Align-GVGD: "Class C0". The alanine amino acid residue is found in multiple mammalian species, which suggests that this missense change does not adversely affect protein function. In summary, the available evidence is currently insufficient to determine the role of this variant in disease. Therefore, it has been classified as a Variant of Uncertain Significance.